The following is an entry in ClinVar:

ClinVar aggregate classification (germline): Uncertain significance (1 of 4 stars; one submission).

Allele frequency attached by ClinVar (database versions not stated): ExAC 0.00001; TOPMed 0.00001; gnomAD exomes 0.00002.
gnomAD v4.1: 30 of 1,614,100 alleles (0.0019%); highest among the groups gnomAD compares: Non-Finnish European, 0.0025%; no homozygotes.

Submission:

Labcorp Genetics (formerly Invitae), Labcorp
Classification: Uncertain significance. Last evaluated: 2022-06-11. Review status: criteria provided, single submitter. Criteria: Invitae Variant Classification Sherloc (09022015). Collection method: clinical testing. Allele origin: germline.
Comment: This sequence change replaces arginine, which is basic and polar, with glycine, which is neutral and non-polar, at codon 312 of the SLC26A3 protein (p.Arg312Gly). This variant is present in population databases (rs779481750, gnomAD 0.003%). This variant has not been reported in the literature in individuals affected with SLC26A3-related conditions. Algorithms developed to predict the effect of missense changes on protein structure and function are either unavailable or do not agree on the potential impact of this missense change (SIFT: "Tolerated"; PolyPhen-2: "Possibly Damaging"; Align-GVGD: "Class C0"). In summary, the available evidence is currently insufficient to determine the role of this variant in disease. Therefore, it has been classified as a Variant of Uncertain Significance.

NM_000111.3(SLC26A3):c.934A>G (p.Arg312Gly)

Gene: SLC26A3 (solute carrier family 26 member 3; minus strand). Cytogenetic location: 7q22.3.
Variant type: single nucleotide variant.
Coding change: c.934A>G on transcript NM_000111.3 (MANE Select); coding-DNA position 934, A replaced by G.
Protein change: p.Arg312Gly; replaces arginine 312 with glycine.
Molecular consequence: missense variant.
Genome position (GRCh38, 1-based): chr7:107,786,864, T>C on the plus strand (A>G on the coding strand, the complement: SLC26A3 is on the minus strand). VCF-style: chr7-107786864-T-C. GRCh37 (hg19) VCF-style: chr7-107427309-T-C.
Other names: short protein forms R312G.
Identifiers: ClinVar variation 1940684 (VCV001940684.2), dbSNP rs779481750, ClinGen allele CA4433992.
Genomic context (GRCh38, chr7:107,786,864, plus strand): 5'-GCCATCATCGAAGACACACTTACCCAGGATTCATGTCCCCAACCACAGCCACTTTAAACC[T>C]GTTTTTAAAGTCACAGCCGTAGGATACACCTGCTGCAATCACGGTCTGCAAAGTTGCAAA-3'
Protein context (NP_000102.1, residues 302-322): GVSYGCDFKN[Arg312Gly]FKVAVVGDMN